The following is an entry in ClinVar:

NM_001267550.2(TTN):c.59201dup (p.Pro19734_Glu19735insTer)

Genes: TTN (titin; minus strand), TTN-AS1 (TTN antisense RNA 1; plus strand). Cytogenetic location: 2q31.2.
Variant type: Duplication.
Coding change: c.59201dup on transcript NM_001267550.2 (MANE Select); coding-DNA position 59201, one base duplicated (C; older notation c.59201dupC).
Protein change: p.Pro19734_Glu19735insTer.
Molecular consequence: frameshift variant.
Genome position (GRCh38, 1-based): chr2:178,592,918, G duplicated on the plus strand (C on the coding strand, the reverse complement: TTN is on the minus strand); the first of 4 consecutive G bases (chr2:178,592,918-178,592,921); duplicating any one gives the same sequence. VCF-style (leftmost placement, unchanged base first): chr2-178592917-A-AG. GRCh37 (hg19) VCF-style: chr2-179457644-A-AG.
Other names: c.54278dup, p.Pro18093_Glu18094insTer (NM_001256850.1); c.32006dup, p.Pro10669_Glu10670insTer (NM_003319.4); c.51497dup, p.Pro17166_Glu17167insTer (NM_133378.4); c.32381dup, p.Pro10794_Glu10795insTer (NM_133432.3); c.32582dup, p.Pro10861_Glu10862insTer (NM_133437.4).
Identifiers: ClinVar variation 1346530 (VCV001346530.6), dbSNP rs2154185983, ClinGen allele CA2573133760.

ClinVar aggregate classification (germline): Likely pathogenic (1 of 4 stars; one submission).

Conditions:
Dilated cardiomyopathy 1G (CMD1G). Identifiers: Orphanet 154, MedGen C1858763, MONDO:0011400, OMIM 604145.
Autosomal recessive limb-girdle muscular dystrophy type 2J (LGMDR10). Also called: Limb-girdle muscular dystrophy, type 2J; MUSCULAR DYSTROPHY, LIMB-GIRDLE, AUTOSOMAL RECESSIVE 10. Identifiers: Orphanet 140922, MedGen C1837342, MONDO:0012127, OMIM 608807.

Submission:

Labcorp Genetics (formerly Invitae), Labcorp
Classification: Likely pathogenic for Dilated cardiomyopathy 1G; Autosomal recessive limb-girdle muscular dystrophy type 2J. Last evaluated: 2024-07-09. Review status: criteria provided, single submitter. Criteria: Invitae Variant Classification Sherloc (09022015). Collection method: clinical testing. Allele origin: germline.
Comment: This sequence change creates a premature translational stop signal (p.Glu19735*) in the TTN gene. While this is not anticipated to result in nonsense mediated decay, it is expected to create a truncated TTN protein. This variant is not present in population databases (gnomAD no frequency). This variant has not been reported in the literature in individuals affected with TTN-related conditions. ClinVar contains an entry for this variant (Variation ID: 1346530). This variant is located in the A band of TTN (PMID: 25589632). Truncating variants in this region are significantly overrepresented in patients affected with dilated cardiomyopathy (PMID: 25589632). Truncating variants in this region have also been reported in individuals affected with autosomal recessive centronuclear myopathy (PMID: 23975875). In summary, the currently available evidence indicates that the variant is pathogenic, but additional data are needed to prove that conclusively. Therefore, this variant has been classified as Likely Pathogenic.

Literature cited by the submitters: PubMed 25589632; PubMed 23975875.